The following is an entry in ClinVar:

NM_006846.4(SPINK5):c.2241-26T>C

Gene: SPINK5 (serine peptidase inhibitor Kazal type 5; plus strand). Cytogenetic location: 5q32.
Variant type: single nucleotide variant.
Coding change: c.2241-26T>C on transcript NM_006846.4 (MANE Select); 26 bases into the intron before coding-DNA position 2241, T replaced by C.
Molecular consequence: intron variant.
Genome position (GRCh38, 1-based): chr5:148,118,960, T>C. VCF-style: chr5-148118960-T-C. GRCh37 (hg19) VCF-style: chr5-147498523-T-C.
Other names: c.2241-26T>C (NM_001127698.2, NM_001127699.2).
Identifiers: ClinVar variation 1294234 (VCV001294234.6), dbSNP rs3764926, ClinGen allele CA3495917.

ClinVar aggregate classification (germline): Benign. Review status: criteria provided, multiple submitters, no conflicts (2 of 4 stars). 3 submissions from 3 submitters: Benign (3). Last evaluated 2024-01-24.

Conditions:
Netherton syndrome (NETH). Also called: ERYTHRODERMA, ICHTHYOSIFORM, WITH HYPOTRICHOSIS AND HYPER-IgE; COMEL-NETHERTON SYNDROME; NETHERTON DISEASE. Identifiers: Orphanet 634, MedGen C5574950, MONDO:0009735, OMIM 256500.

Allele frequency attached by ClinVar (database versions not stated): 1000 Genomes Project 0.50879; 1000 Genomes Project 30x 0.50968; TOPMed 0.55809; ESP Exome Variant Server 0.56074; gnomAD 0.56116 and 0.56233; gnomAD exomes 0.60934.
gnomAD v4.1: 972,558 of 1,609,938 alleles (60%); highest among the groups gnomAD compares: Admixed American, 71%; 297,822 homozygotes.

Submissions (3):

Unidad de Genómica Garrahan, Hospital de Pediatría Garrahan
Classification: Benign. Last evaluated: 2024-01-24. Review status: criteria provided, single submitter. Criteria: ACMG Guidelines, 2015. Collection method: clinical testing. Allele origin: germline. Affected: no. Observed: 80 variant alleles.
Comment: This variant is classified as Benign based on local population frequency. This variant was detected in 91% of patients studied by a panel of primary immunodeficiencies. Number of patients: 80. Only high quality variants are reported.

Genome-Nilou Lab
Classification: Benign for Netherton syndrome. Last evaluated: 2021-07-15. Review status: criteria provided, single submitter. Criteria: ACMG Guidelines, 2015. Collection method: clinical testing. Allele origin: germline. Affected: no.

GeneDx
Classification: Benign. Last evaluated: 2015-03-03. Review status: criteria provided, single submitter. Criteria: GeneDx Variant Classification Process June 2021. Collection method: clinical testing. Allele origin: germline. Affected: yes.